The following is an entry in ClinVar:

NM_001303457.2(TTI1):c.2743G>A (p.Val915Ile)

Gene: TTI1 (TELO2 interacting protein 1; minus strand). Cytogenetic location: 20q11.23.
Variant type: single nucleotide variant.
Coding change: c.2743G>A on transcript NM_001303457.2 (MANE Select); coding-DNA position 2743, G replaced by A.
Protein change: p.Val915Ile; replaces valine 915 with isoleucine.
Molecular consequence: missense variant.
Genome position (GRCh38, 1-based): chr20:37,999,238, C>T on the plus strand (G>A on the coding strand, the complement: TTI1 is on the minus strand). VCF-style: chr20-37999238-C-T. GRCh37 (hg19) VCF-style: chr20-36627640-C-T.
Other names: c.2743G>A, p.Val915Ile (NM_014657.3); short protein forms V915I.
Identifiers: ClinVar variation 3365447 (VCV003365447.1).

ClinVar aggregate classification (germline): Uncertain significance (1 of 4 stars; one submission).

gnomAD v4.1: 75 of 1,518,416 alleles (0.0049%); highest among the groups gnomAD compares: Admixed American, 0.13%; no homozygotes.

Submission:

GeneDx
Classification: Uncertain significance. Last evaluated: 2023-12-09. Review status: criteria provided, single submitter. Criteria: GeneDx Variant Classification Process June 2021. Collection method: clinical testing. Allele origin: germline. Affected: yes.
Comment: In silico analysis supports that this missense variant does not alter protein structure/function; Has not been previously published as pathogenic or benign to our knowledge